The following is an entry in ClinVar:

NM_003482.4(KMT2D):c.559C>T (p.Pro187Ser)

Gene: KMT2D (lysine methyltransferase 2D; minus strand). Cytogenetic location: 12q13.12.
Variant type: single nucleotide variant.
Coding change: c.559C>T on transcript NM_003482.4 (MANE Select); coding-DNA position 559, C replaced by T.
Protein change: p.Pro187Ser; replaces proline 187 with serine.
Molecular consequence: missense variant.
Genome position (GRCh38, 1-based): chr12:49,054,092, G>A on the plus strand (C>T on the coding strand, the complement: KMT2D is on the minus strand). VCF-style: chr12-49054092-G-A. GRCh37 (hg19) VCF-style: chr12-49447875-G-A.
Other names: short protein forms P187S.
Identifiers: ClinVar variation 586149 (VCV000586149.3), dbSNP rs773077415, ClinGen allele CA384685725.

ClinVar aggregate classification (germline): Uncertain significance. Review status: criteria provided, multiple submitters, no conflicts (2 of 4 stars). 2 submissions from 2 submitters: Uncertain significance (2). Last evaluated 2025-07-08.

Conditions:
KMT2D-related disorder. Also called: KMT2D-Related Disorders.

gnomAD v4.1: 5 of 1,613,638 alleles (0.00031%); highest among the groups gnomAD compares: Middle Eastern, 0.017%; no homozygotes.

Submissions (2):

PreventionGenetics, part of Exact Sciences
Classification: Uncertain significance for KMT2D-related condition. Last evaluated: 2025-07-08. Review status: criteria provided, single submitter. Criteria: ACMG Guidelines, 2015. Collection method: clinical testing. Allele origin: germline.
Comment: The KMT2D c.559C>T variant is predicted to result in the amino acid substitution p.Pro187Ser. To our knowledge, this variant has not been reported in the literature or in a large population database (gnomAD), indicating this variant is rare. At this time, the clinical significance of this variant is uncertain due to the absence of conclusive functional and genetic evidence.

Athena Diagnostics
Classification: Uncertain significance. Last evaluated: 2018-03-08. Review status: criteria provided, single submitter. Criteria: Athena Diagnostics Criteria. Collection method: clinical testing. Allele origin: germline.